The following is an entry in ClinVar:

NM_017780.4(CHD7):c.1225C>T (p.Pro409Ser)

Gene: CHD7 (chromodomain helicase DNA binding protein 7; plus strand). Cytogenetic location: 8q12.2.
Variant type: single nucleotide variant.
Coding change: c.1225C>T on transcript NM_017780.4 (MANE Select); coding-DNA position 1225, C replaced by T.
Protein change: p.Pro409Ser; replaces proline 409 with serine.
Molecular consequence: missense variant.
Genome position (GRCh38, 1-based): chr8:60,742,657, C>T. VCF-style: chr8-60742657-C-T. GRCh37 (hg19) VCF-style: chr8-61655216-C-T.
Other names: c.1225C>T, p.Pro409Ser (NM_001316690.1); short protein forms P409S.
Identifiers: ClinVar variation 522156 (VCV000522156.9), dbSNP rs1554581580, ClinGen allele CA371301881.

ClinVar aggregate classification (germline): Uncertain significance. Review status: criteria provided, multiple submitters, no conflicts (2 of 4 stars). 4 submissions from 4 submitters: Uncertain significance (4). Last evaluated 2025-04-17.

Conditions:
Inborn genetic diseases. Identifiers: MedGen C0950123, MeSH D030342.
CHARGE syndrome (CHARGE). Also called: Hittner Hirsch Kreh syndrome; Coloboma, heart anomaly, choanal atresia, retardation, genital and ear anomalies; CHARGE association; Hall-Hittner syndrome; CHARGE ASSOCIATION--COLOBOMA, HEART ANOMALY, CHOANAL ATRESIA, RETARDATION, GENITAL AND EAR ANOMALIES. Identifiers: Orphanet 138, MedGen C0265354, MONDO:0008965.
Hypogonadotropic hypogonadism 5 with or without anosmia (KAL5). Also called: HYPOGONADOTROPIC HYPOGONADISM 5 WITH ANOSMIA; HYPOGONADOTROPHIC HYPOGONADISM 5 WITHOUT ANOSMIA; CHD7-Related GnRH Deficiency (Kallmann Syndrome 5). Identifiers: Orphanet 478, MedGen C3552553, MONDO:0012880, OMIM 612370. Disease mechanism: loss of function.

Allele frequency attached by ClinVar (database versions not stated): gnomAD 0.00001.
gnomAD v4.1: 30 of 1,610,476 alleles (0.0019%); highest among the groups gnomAD compares: Non-Finnish European, 0.0023%; no homozygotes.

Submissions (4):

Labcorp Genetics (formerly Invitae), Labcorp
Classification: Uncertain significance for CHARGE syndrome. Last evaluated: 2025-04-17. Review status: criteria provided, single submitter. Criteria: Invitae Variant Classification Sherloc (09022015). Collection method: clinical testing. Allele origin: germline.
Comment: This sequence change replaces proline, which is neutral and non-polar, with serine, which is neutral and polar, at codon 409 of the CHD7 protein (p.Pro409Ser). This variant is not present in population databases (gnomAD no frequency). This variant has not been reported in the literature in individuals affected with CHD7-related conditions. ClinVar contains an entry for this variant (Variation ID: 522156). Invitae Evidence Modeling of protein sequence and biophysical properties (such as structural, functional, and spatial information, amino acid conservation, physicochemical variation, residue mobility, and thermodynamic stability) indicates that this missense variant is not expected to disrupt CHD7 protein function with a negative predictive value of 95%. In summary, the available evidence is currently insufficient to determine the role of this variant in disease. Therefore, it has been classified as a Variant of Uncertain Significance.

Fulgent Genetics
Classification: Uncertain significance for CHD7-related CHARGE syndrome; Hypogonadotropic hypogonadism 5 with or without anosmia. Last evaluated: 2024-05-17. Review status: criteria provided, single submitter. Criteria: ACMG Guidelines, 2015. Collection method: clinical testing. Allele origin: germline.

GeneDx
Classification: Uncertain significance. Last evaluated: 2019-04-30. Review status: criteria provided, single submitter. Criteria: GeneDx Variant Classification Process June 2021. Collection method: clinical testing. Allele origin: germline. Affected: yes.
Comment: Not observed in large population cohorts (Lek et al., 2016); In silico analysis, which includes protein predictors and evolutionary conservation, supports that this variant does not alter protein structure/function; Has not been previously published as pathogenic or benign to our knowledge

Ambry Genetics
Classification: Uncertain significance for Inborn genetic diseases. Last evaluated: 2017-10-13. Review status: criteria provided, single submitter. Criteria: Ambry exome assertion method (8-5-2015). Collection method: clinical testing. Allele origin: germline. Affected: yes. Observed: 1 variant allele.